The following is an entry in ClinVar:

ClinVar aggregate classification (germline): Uncertain significance (1 of 4 stars; one submission).

Submission:

Labcorp Genetics (formerly Invitae), Labcorp
Classification: Uncertain significance. Last evaluated: 2025-10-29. Review status: criteria provided, single submitter. Criteria: Invitae Variant Classification Sherloc (09022015). Collection method: clinical testing. Allele origin: germline.
Comment: This sequence change replaces glutamine, which is neutral and polar, with proline, which is neutral and non-polar, at codon 1012 of the KMT2E protein (p.Gln1012Pro). This variant is not present in population databases (gnomAD no frequency). This variant has not been reported in the literature in individuals affected with KMT2E-related conditions. An algorithm developed to predict the effect of missense changes on protein structure and function outputs the following: PolyPhen-2: "Benign". The proline amino acid residue is found in multiple mammalian species, which suggests that this missense change does not adversely affect protein function. In summary, the available evidence is currently insufficient to determine the role of this variant in disease. Therefore, it has been classified as a Variant of Uncertain Significance.

NM_182931.3(KMT2E):c.3035A>C (p.Gln1012Pro)

Gene: KMT2E (lysine methyltransferase 2E (inactive); plus strand). Cytogenetic location: 7q22.3.
Variant type: single nucleotide variant.
Coding change: c.3035A>C on transcript NM_182931.3 (MANE Select); coding-DNA position 3035, A replaced by C.
Protein change: p.Gln1012Pro; replaces glutamine 1012 with proline.
Molecular consequence: missense variant.
Genome position (GRCh38, 1-based): chr7:105,107,492, A>C. VCF-style: chr7-105107492-A-C. GRCh37 (hg19) VCF-style: chr7-104747939-A-C.
Other names: c.3035A>C, p.Gln1012Pro (NM_001410908.1, NM_018682.4); short protein forms Q1012P.
Identifiers: ClinVar variation 4730174 (VCV004730174.1).